The following is an entry in ClinVar:

ClinVar aggregate classification (germline): Conflicting classifications of pathogenicity. Review status: criteria provided, conflicting classifications (1 of 4 stars). 9 submissions from 8 submitters: Uncertain significance (4); Likely benign (2). 3 of the submissions do not count toward it. Last evaluated 2026-02-01.

Conditions:
Optic atrophy. Identifiers: MedGen C0029124, MONDO:0003608, HP:0000648.
Retinitis pigmentosa (RP). Identifiers: Orphanet 791, MedGen C0035334, MeSH D012174, MONDO:0019200, OMIM 268000. Inheritance: Autosomal dominant, autosomal recessive and X linked inheritance.
ZNF513-related disorder. Also called: ZNF513-related condition.
Retinal dystrophy. Also called: Inherited retinal dystrophy. Identifiers: Orphanet 71862, MedGen C0854723, MeSH D058499, MONDO:0019118, HP:0000556.
Retinitis pigmentosa 58 (RP58). Identifiers: Orphanet 791, MedGen C3150879, MONDO:0013328, OMIM 613617.

Allele frequency attached by ClinVar (database versions not stated): 1000 Genomes Project 30x 0.00031; 1000 Genomes Project 0.00040; ESP Exome Variant Server 0.00062; TOPMed 0.00065; gnomAD exomes 0.00081 and 0.00098; ExAC 0.00111; gnomAD 0.00118 and 0.00122.
gnomAD v4.1: 1,588 of 1,603,280 alleles (0.099%); highest among the groups gnomAD compares: Non-Finnish European, 0.12%; 5 homozygotes.

Submissions (9):

Labcorp Genetics (formerly Invitae), Labcorp
Classification: Likely benign. Last evaluated: 2026-02-01. Review status: criteria provided, single submitter. Criteria: Invitae Variant Classification Sherloc (09022015). Collection method: clinical testing. Allele origin: germline.

CeGaT Center for Human Genetics Tuebingen
Classification: Uncertain significance. Last evaluated: 2024-12-01. Review status: criteria provided, single submitter. Criteria: CeGaT Center For Human Genetics Tuebingen Variant Classification Criteria Version 2. Collection method: clinical testing. Allele origin: germline. Affected: yes. Observed: 2 variant alleles.

Blueprint Genetics
Classification: Likely benign. Last evaluated: 2024-11-01. Review status: criteria provided, single submitter. Criteria: ACMG Guidelines, 2015. Collection method: clinical testing. Allele origin: germline.

Ambry Genetics
Classification: Uncertain significance. Last evaluated: 2023-02-16. Review status: criteria provided, single submitter. Criteria: Ambry Variant Classification Scheme 2023. Collection method: clinical testing. Allele origin: germline.

Department of Pathology and Laboratory Medicine, Sinai Health System
Classification: Uncertain significance for Retinitis pigmentosa 58. Last evaluated: 2021-10-25. Review status: criteria provided, single submitter. Criteria: ACMG Guidelines, 2015. Collection method: research. Allele origin: germline.

Illumina Laboratory Services, Illumina
Classification: Uncertain significance for Retinitis pigmentosa. Last evaluated: 2018-01-12. Review status: criteria provided, single submitter. Criteria: ICSL Variant Classification Criteria 13 December 2019. Collection method: clinical testing. Allele origin: germline.

PreventionGenetics, part of Exact Sciences
Classification: Likely benign for ZNF513-related condition. Last evaluated: 2023-07-13. Review status: no assertion criteria provided. Collection method: clinical testing. Allele origin: germline. Not counted in ClinVar's aggregate classification.
Comment: This variant is classified as likely benign based on ACMG/AMP sequence variant interpretation guidelines (Richards et al. 2015 PMID: 25741868, with internal and published modifications).

Institute of Human Genetics, Univ. Regensburg, Univ. Regensburg
Classification: Uncertain significance for Optic atrophy. Last evaluated: 2023-01-01. Review status: no assertion criteria provided. Criteria: ACMG Guidelines, 2015. Collection method: clinical testing. Allele origin: germline. Affected: yes. Not counted in ClinVar's aggregate classification.

Institute of Human Genetics, Univ. Regensburg, Univ. Regensburg
Classification: Uncertain significance for Retinal dystrophy. Last evaluated: 2023-01-01. Review status: no assertion criteria provided. Criteria: ACMG Guidelines, 2015. Collection method: clinical testing. Allele origin: germline. Affected: yes. Not counted in ClinVar's aggregate classification.

NM_144631.6(ZNF513):c.395G>C (p.Cys132Ser)

Gene: ZNF513 (zinc finger protein 513; minus strand). Cytogenetic location: 2p23.3.
Variant type: single nucleotide variant.
Coding change: c.395G>C on transcript NM_144631.6 (MANE Select); coding-DNA position 395, G replaced by C.
Protein change: p.Cys132Ser; replaces cysteine 132 with serine.
Molecular consequence: missense variant.
Genome position (GRCh38, 1-based): chr2:27,378,871, C>G on the plus strand (G>C on the coding strand, the complement: ZNF513 is on the minus strand). VCF-style: chr2-27378871-C-G. GRCh37 (hg19) VCF-style: chr2-27601738-C-G.
Other names: c.209G>C, p.Cys70Ser (NM_001201459.2); short protein forms C132S, C70S.
Identifiers: ClinVar variation 850155 (VCV000850155.41), dbSNP rs184500376, ClinGen allele CA1578065.
Genomic context (GRCh38, chr2:27,378,871, plus strand): 5'-CATGAGTACAGTAGCCGTGGGGGCAGCAGGGGCCCCCCACCCGGCCCTCCTGCCCCACAA[C>G]ACGGCCCCTCACCTGTCGGCCCCCCACACAGCTGGCAGGCTGGGCCTGGCCTCTCACCCC-3'
Protein context (NP_653232.3, residues 122-142): LCGGPTGEGP[Cys132Ser]CGAGGPGGGP